The following is an entry in ClinVar:

ClinVar aggregate classification (germline): Uncertain significance. Review status: criteria provided, multiple submitters, no conflicts (2 of 4 stars). 3 submissions from 3 submitters: Uncertain significance (3). Last evaluated 2025-11-18.

Conditions:
Glycine encephalopathy. Also called: Nonketotic hyperglycinemia; Non-ketotic hyperglycinemia. Identifiers: Orphanet 407, MedGen C0751748, MONDO:0011612, HP:0008288.

Allele frequency attached by ClinVar (database versions not stated): gnomAD 0.00001; gnomAD exomes 0.00001; TOPMed 0.00001.
gnomAD v4.1: 16 of 1,611,796 alleles (0.00099%); highest among the groups gnomAD compares: East Asian, 0.0022%; no homozygotes.

Submissions (3):

Labcorp Genetics (formerly Invitae), Labcorp
Classification: Uncertain significance for Glycine encephalopathy. Last evaluated: 2025-11-18. Review status: criteria provided, single submitter. Criteria: Invitae Variant Classification Sherloc (09022015). Collection method: clinical testing. Allele origin: germline.
Comment: This sequence change replaces lysine, which is basic and polar, with asparagine, which is neutral and polar, at codon 1016 of the GLDC protein (p.Lys1016Asn). This variant is present in population databases (no rsID available, gnomAD 0.004%). This variant has not been reported in the literature in individuals affected with GLDC-related conditions. ClinVar contains an entry for this variant (Variation ID: 1514032). Invitae Evidence Modeling of protein sequence and biophysical properties (such as structural, functional, and spatial information, amino acid conservation, physicochemical variation, residue mobility, and thermodynamic stability) indicates that this missense variant is not expected to disrupt GLDC protein function with a negative predictive value of 95%. In summary, the available evidence is currently insufficient to determine the role of this variant in disease. Therefore, it has been classified as a Variant of Uncertain Significance.

Blueprint Genetics
Classification: Uncertain significance. Last evaluated: 2024-02-15. Review status: criteria provided, single submitter. Criteria: ACMG Guidelines, 2015. Collection method: clinical testing. Allele origin: germline.

CeGaT Center for Human Genetics Tuebingen
Classification: Uncertain significance. Last evaluated: 2023-02-01. Review status: criteria provided, single submitter. Criteria: CeGaT Center For Human Genetics Tuebingen Variant Classification Criteria Version 2. Collection method: clinical testing. Allele origin: germline. Affected: yes. Observed: 1 variant allele.
Comment: GLDC: PM2, PP3

NM_000170.3(GLDC):c.3048G>C (p.Lys1016Asn)

Gene: GLDC (glycine decarboxylase; minus strand). Cytogenetic location: 9p24.1.
Variant type: single nucleotide variant.
Coding change: c.3048G>C on transcript NM_000170.3 (MANE Select); coding-DNA position 3048, G replaced by C.
Protein change: p.Lys1016Asn; replaces lysine 1016 with asparagine.
Molecular consequence: missense variant.
Genome position (GRCh38, 1-based): chr9:6,533,032, C>G on the plus strand (G>C on the coding strand, the complement: GLDC is on the minus strand). VCF-style: chr9-6533032-C-G. GRCh37 (hg19) VCF-style: chr9-6533032-C-G.
Other names: short protein forms K1016N.
Identifiers: ClinVar variation 1514032 (VCV001514032.35), dbSNP rs1034808665, ClinGen allele CA188643265.